The following is an entry in ClinVar:

ClinVar aggregate classification (germline): Uncertain significance. Review status: criteria provided, multiple submitters, no conflicts (2 of 4 stars). 2 submissions from 2 submitters: Uncertain significance (2). Last evaluated 2023-12-01.

Conditions:
Epilepsy, progressive myoclonic, 1B. Also called: PME. Identifiers: Orphanet 308, MedGen C2676254, MONDO:0012904, OMIM 612437.

Allele frequency attached by ClinVar (database versions not stated): ExAC 0.00001; gnomAD exomes 0.00002 and 0.00004; TOPMed 0.00003; gnomAD 0.00005 and 0.00006.
gnomAD v4.1: 60 of 1,614,128 alleles (0.0037%); highest among the groups gnomAD compares: Non-Finnish European, 0.0051%; no homozygotes.

Submissions (2):

CeGaT Center for Human Genetics Tuebingen
Classification: Uncertain significance. Last evaluated: 2023-12-01. Review status: criteria provided, single submitter. Criteria: CeGaT Center For Human Genetics Tuebingen Variant Classification Criteria Version 2. Collection method: clinical testing. Allele origin: germline. Affected: yes. Observed: 1 variant allele.
Comment: PRICKLE1: PM2, PP3

Labcorp Genetics (formerly Invitae), Labcorp
Classification: Uncertain significance for Epilepsy, progressive myoclonic, 1B. Last evaluated: 2022-08-16. Review status: criteria provided, single submitter. Criteria: Invitae Variant Classification Sherloc (09022015). Collection method: clinical testing. Allele origin: germline.
Comment: This sequence change replaces cysteine, which is neutral and slightly polar, with arginine, which is basic and polar, at codon 217 of the PRICKLE1 protein (p.Cys217Arg). This variant is present in population databases (rs772276749, gnomAD 0.004%). This variant has not been reported in the literature in individuals affected with PRICKLE1-related conditions. ClinVar contains an entry for this variant (Variation ID: 308707). Algorithms developed to predict the effect of missense changes on protein structure and function are either unavailable or do not agree on the potential impact of this missense change (SIFT: "Deleterious"; PolyPhen-2: "Benign"; Align-GVGD: "Class C0"). In summary, the available evidence is currently insufficient to determine the role of this variant in disease. Therefore, it has been classified as a Variant of Uncertain Significance.

NM_153026.3(PRICKLE1):c.649T>C (p.Cys217Arg)

Gene: PRICKLE1 (prickle planar cell polarity protein 1; minus strand). Cytogenetic location: 12q12.
Variant type: single nucleotide variant.
Coding change: c.649T>C on transcript NM_153026.3 (MANE Select); coding-DNA position 649, T replaced by C.
Protein change: p.Cys217Arg; replaces cysteine 217 with arginine.
Molecular consequence: missense variant.
Genome position (GRCh38, 1-based): chr12:42,466,320, A>G on the plus strand (T>C on the coding strand, the complement: PRICKLE1 is on the minus strand). VCF-style: chr12-42466320-A-G. GRCh37 (hg19) VCF-style: chr12-42860122-A-G.
Other names: c.649T>C, p.Cys217Arg (NM_001144881.2, NM_001144882.2, NM_001144883.2); short protein forms C217R.
Identifiers: ClinVar variation 308707 (VCV000308707.29), dbSNP rs772276749, ClinGen allele CA6519866.